The following is an entry in ClinVar:

NM_025179.4(PLXNA2):c.3793C>T (p.Arg1265Ter)

Gene: PLXNA2 (plexin A2; minus strand). Cytogenetic location: 1q32.2.
Variant type: single nucleotide variant.
Coding change: c.3793C>T on transcript NM_025179.4 (MANE Select); coding-DNA position 3793, C replaced by T.
Protein change: p.Arg1265Ter; replaces arginine 1265 with a stop codon.
Molecular consequence: nonsense.
Genome position (GRCh38, 1-based): chr1:208,044,589, G>A on the plus strand (C>T on the coding strand, the complement: PLXNA2 is on the minus strand). VCF-style: chr1-208044589-G-A. GRCh37 (hg19) VCF-style: chr1-208217934-G-A.
Other names: short protein forms R1265*.
Identifiers: ClinVar variation 3051175 (VCV003051175.2), dbSNP rs1262882530, ClinGen allele CA344563466.

ClinVar aggregate classification (germline): Uncertain significance (0 of 4 stars; one submission).

Conditions:
PLXNA2-related disorder. Also called: PLXNA2-related condition.

gnomAD v4.1: 1 of 1,614,154 alleles (0.000062%); highest among the groups gnomAD compares: Non-Finnish European, 0.000085%; no homozygotes.

Submission:

PreventionGenetics, part of Exact Sciences
Classification: Uncertain significance for PLXNA2-related condition. Last evaluated: 2023-10-20. Review status: no assertion criteria provided. Collection method: clinical testing. Allele origin: germline.
Comment: The PLXNA2 c.3793C>T variant is predicted to result in premature protein termination (p.Arg1265*). To our knowledge, this variant has not been reported in the literature or in a large population database, indicating this variant is rare. Loss of function variants in PLXNA2, such as this nonsense variant, are not an established mechanism of disease. At this time, the clinical significance of this variant is uncertain due to the absence of conclusive functional and genetic evidence.